The following is an entry in ClinVar:

ClinVar aggregate classification (germline): Uncertain significance (1 of 4 stars; one submission).

Allele frequency attached by ClinVar (database versions not stated): ExAC 0.00002; gnomAD exomes 0.00005; gnomAD 0.00006; TOPMed 0.00006.
gnomAD v4.1: 80 of 1,600,734 alleles (0.005%); highest among the groups gnomAD compares: Non-Finnish European, 0.0064%; no homozygotes.

Submission:

Labcorp Genetics (formerly Invitae), Labcorp
Classification: Uncertain significance. Last evaluated: 2024-09-15. Review status: criteria provided, single submitter. Criteria: Invitae Variant Classification Sherloc (09022015). Collection method: clinical testing. Allele origin: germline.
Comment: This sequence change replaces valine, which is neutral and non-polar, with alanine, which is neutral and non-polar, at codon 2193 of the HMCN1 protein (p.Val2193Ala). This variant is present in population databases (rs767823733, gnomAD 0.006%). This variant has not been reported in the literature in individuals affected with HMCN1-related conditions. ClinVar contains an entry for this variant (Variation ID: 2148834). An algorithm developed to predict the effect of missense changes on protein structure and function (PolyPhen-2) suggests that this variant is likely to be tolerated. In summary, the available evidence is currently insufficient to determine the role of this variant in disease. Therefore, it has been classified as a Variant of Uncertain Significance.

NM_031935.3(HMCN1):c.6578T>C (p.Val2193Ala)

Gene: HMCN1 (hemicentin 1; plus strand). Cytogenetic location: 1q31.1.
Variant type: single nucleotide variant.
Coding change: c.6578T>C on transcript NM_031935.3 (MANE Select); coding-DNA position 6578, T replaced by C.
Protein change: p.Val2193Ala; replaces valine 2193 with alanine.
Molecular consequence: missense variant.
Genome position (GRCh38, 1-based): chr1:186,052,952, T>C. VCF-style: chr1-186052952-T-C. GRCh37 (hg19) VCF-style: chr1-186022084-T-C.
Other names: short protein forms V2193A.
Identifiers: ClinVar variation 2148834 (VCV002148834.4), dbSNP rs767823733, ClinGen allele CA1292618.